The following is an entry in ClinVar:

ClinVar aggregate classification (germline): Likely benign (1 of 4 stars; one submission).

gnomAD v4.1: 320 of 397,578 alleles (0.08%); highest among the groups gnomAD compares: Non-Finnish European, 0.033%; 1 homozygote.

Submission:

CeGaT Center for Human Genetics Tuebingen
Classification: Likely benign. Last evaluated: 2026-08-01. Review status: criteria provided, single submitter. Criteria: CeGaT Center For Human Genetics Tuebingen Variant Classification Criteria Version 2. Collection method: clinical testing. Allele origin: germline. Affected: yes. Observed: 1 variant allele.
Comment: KCNQ1OT1: BS2

NM_000218.3(KCNQ1):c.1393+32099T>G

Genes: KCNQ1 (potassium voltage-gated channel subfamily Q member 1; plus strand), KCNQ1OT1 (KCNQ1 opposite strand/antisense transcript 1; minus strand). Cytogenetic location: 11p15.5.
Variant type: single nucleotide variant.
Coding change: c.1393+32099T>G on transcript NM_000218.3 (MANE Select); 32099 bases into the intron after coding-DNA position 1393, T replaced by G.
Molecular consequence: intron variant. On other transcripts: non-coding transcript variant (1).
Genome position (GRCh38, 1-based): chr11:2,620,953, T>G. VCF-style: chr11-2620953-T-G. GRCh37 (hg19) VCF-style: chr11-2642183-T-G.
Other names: c.1123+32099T>G (NM_001406837.1); c.1297+32099T>G (NM_001406836.1); c.853+32099T>G (NM_001406838.1); c.1012+32099T>G (NM_181798.2).
Identifiers: ClinVar variation 5039575 (VCV005039575.1).